The following is an entry in ClinVar:

NM_201548.5(CERKL):c.1472C>T (p.Ser491Leu)

Gene: CERKL (CERK like autophagy regulator; minus strand). Cytogenetic location: 2q31.3.
Variant type: single nucleotide variant.
Coding change: c.1472C>T on transcript NM_201548.5 (MANE Select); coding-DNA position 1472, C replaced by T.
Protein change: p.Ser491Leu; replaces serine 491 with leucine.
Molecular consequence: missense variant. On other transcripts: non-coding transcript variant (2).
Genome position (GRCh38, 1-based): chr2:181,539,158, G>A on the plus strand (C>T on the coding strand, the complement: CERKL is on the minus strand). VCF-style: chr2-181539158-G-A. GRCh37 (hg19) VCF-style: chr2-182403885-G-A.
Other names: c.1133C>T, p.Ser378Leu (NM_001030312.3); c.1265C>T, p.Ser422Leu (NM_001030313.3); c.1418C>T, p.Ser473Leu (NM_001160277.2); c.1550C>T, p.Ser517Leu (NM_001030311.3); short protein forms S422L, S473L, S491L, S517L, S378L.
Identifiers: ClinVar variation 4781761 (VCV004781761.1).
Genomic context (GRCh38, chr2:181,539,158, plus strand): 5'-TGGACCTCTGATGCAACTTCCATTAAGTCACCATCTACATTCCAAGGGAAACAATTTTCT[G>A]AAGCAGTTTCATCCTCCTCCTCCTCTGGATTATATCCACCAGTATTATTCCTTGGATGAA-3'
Protein context (NP_963842.1, residues 481-501): NPEEEEDETA[Ser491Leu]ENCFPWNVDG

ClinVar aggregate classification (germline): Uncertain significance (1 of 4 stars; one submission).

Submission:

Labcorp Genetics (formerly Invitae), Labcorp
Classification: Uncertain significance. Last evaluated: 2025-12-11. Review status: criteria provided, single submitter. Criteria: Invitae Variant Classification Sherloc (09022015). Collection method: clinical testing. Allele origin: germline.
Comment: This sequence change replaces serine, which is neutral and polar, with leucine, which is neutral and non-polar, at codon 517 of the CERKL protein (p.Ser517Leu). This variant is not present in population databases (gnomAD no frequency). This variant has not been reported in the literature in individuals affected with CERKL-related conditions. Invitae Evidence Modeling of protein sequence and biophysical properties (such as structural, functional, and spatial information, amino acid conservation, physicochemical variation, residue mobility, and thermodynamic stability) indicates that this missense variant is not expected to disrupt CERKL protein function with a negative predictive value of 95%. In summary, the available evidence is currently insufficient to determine the role of this variant in disease. Therefore, it has been classified as a Variant of Uncertain Significance.